The following is an entry in ClinVar:

NM_015192.4(PLCB1):c.1087del (p.Asp363fs)

Gene: PLCB1 (phospholipase C beta 1; plus strand). Cytogenetic location: 20p12.3.
Variant type: Deletion.
Coding change: c.1087del on transcript NM_015192.4 (MANE Select); coding-DNA position 1087, one base deleted (G; older notation c.1087delG).
Protein change: p.Asp363fs; shifts the reading frame from aspartic acid 363.
Molecular consequence: frameshift variant.
Genome position (GRCh38, 1-based): chr20:8,697,703, G deleted; the last of 2 consecutive G bases (chr20:8,697,702-8,697,703); deleting either gives the same sequence. VCF-style (leftmost placement, unchanged base first): chr20-8697701-TG-T. GRCh37 (hg19) VCF-style: chr20-8678348-TG-T.
Other names: c.1087del, p.Asp363fs (NM_182734.3); short protein forms D363fs.
Identifiers: ClinVar variation 2102622 (VCV002102622.4), dbSNP rs2515247150, ClinGen allele CA2580098032.

ClinVar aggregate classification (germline): Pathogenic (1 of 4 stars; one submission).

Conditions:
Developmental and epileptic encephalopathy, 12 (DEE12). Identifiers: MedGen C3150988, MONDO:0013389, OMIM 613722.

Submission:

Labcorp Genetics (formerly Invitae), Labcorp
Classification: Pathogenic for Developmental and epileptic encephalopathy, 12. Last evaluated: 2022-02-23. Review status: criteria provided, single submitter. Criteria: Invitae Variant Classification Sherloc (09022015). Collection method: clinical testing. Allele origin: germline.
Comment: This sequence change creates a premature translational stop signal (p.Asp363Thrfs*20) in the PLCB1 gene. It is expected to result in an absent or disrupted protein product. Loss-of-function variants in PLCB1 are known to be pathogenic (PMID: 24684524). This variant is not present in population databases (gnomAD no frequency). This variant has not been reported in the literature in individuals affected with PLCB1-related conditions. For these reasons, this variant has been classified as Pathogenic.

Literature cited by the submitters: PubMed 24684524.